The following is an entry in ClinVar:

ClinVar aggregate classification (germline): Benign/Likely benign. Review status: criteria provided, multiple submitters, no conflicts (2 of 4 stars). 13 submissions from 13 submitters: Benign (2); Likely benign (6). 5 of the submissions do not count toward it. Last evaluated 2026-02-04.

Conditions:
Hereditary cancer-predisposing syndrome. Also called: Hereditary Cancer Syndrome; Hereditary neoplastic syndrome; Tumor predisposition; Neoplastic Syndromes, Hereditary. Identifiers: Orphanet 140162, MedGen C0027672, MeSH D009386, MONDO:0015356.
Colorectal cancer, susceptibility to, 12 (CRCS12). Also called: COLORECTAL CANCER, SUSCEPTIBILITY TO, ON CHROMOSOME 12q24. Identifiers: Orphanet 220460, MedGen C3554460, MONDO:0014038, OMIM 615083.

Allele frequency attached by ClinVar (database versions not stated): 1000 Genomes Project 30x 0.00016; 1000 Genomes Project 0.00020; TOPMed 0.00063; gnomAD exomes 0.00065; ESP Exome Variant Server 0.00069; gnomAD 0.00069 and 0.00071; ExAC 0.00071.
gnomAD v4.1: 1,740 of 1,604,464 alleles (0.11%); highest among the groups gnomAD compares: Non-Finnish European, 0.14%; 2 homozygotes.

Submissions (13):

Ambry Genetics
Classification: Likely benign for Hereditary cancer-predisposing syndrome. Last evaluated: 2026-02-04. Review status: criteria provided, single submitter. Criteria: Ambry Variant Classification Scheme 2023. Collection method: clinical testing. Allele origin: germline.

Labcorp Genetics (formerly Invitae), Labcorp
Classification: Benign. Last evaluated: 2026-02-03. Review status: criteria provided, single submitter. Criteria: Invitae Variant Classification Sherloc (09022015). Collection method: clinical testing. Allele origin: germline.

Center for Genomic Medicine, Rigshospitalet, Copenhagen University Hospital
Classification: Likely benign. Last evaluated: 2025-03-04. Review status: criteria provided, single submitter. Criteria: ACMG Guidelines, 2015. Collection method: clinical testing. Allele origin: germline.

Blueprint Genetics
Classification: Likely benign. Last evaluated: 2024-11-26. Review status: criteria provided, single submitter. Criteria: ACMG Guidelines, 2015. Collection method: clinical testing. Allele origin: germline.

ARUP Laboratories, Molecular Genetics and Genomics, ARUP Laboratories
Classification: Likely benign. Last evaluated: 2022-04-29. Review status: criteria provided, single submitter. Criteria: ARUP Molecular Germline Variant Investigation Process 2021. Collection method: clinical testing. Allele origin: germline.

Sema4
Classification: Benign for Hereditary cancer-predisposing syndrome. Last evaluated: 2020-07-28. Review status: criteria provided, single submitter. Criteria: Sema4 Curation Guidelines. Collection method: curation. Allele origin: germline.

GeneDx
Classification: Likely benign. Last evaluated: 2017-06-29. Review status: criteria provided, single submitter. Criteria: GeneDx Variant Classification (06012015). Collection method: clinical testing. Allele origin: germline. Affected: yes.
Comment: This variant is considered likely benign or benign based on one or more of the following criteria: it is a conservative change, it occurs at a poorly conserved position in the protein, it is predicted to be benign by multiple in silico algorithms, and/or has population frequency not consistent with disease.

PreventionGenetics, part of Exact Sciences
Classification: Likely benign. Last evaluated: 2017-06-27. Review status: criteria provided, single submitter. Criteria: ACMG Guidelines, 2015. Collection method: clinical testing. Allele origin: germline.

Counsyl
Classification: Likely benign for Colorectal cancer, susceptibility to, 12. Last evaluated: 2016-09-02. Review status: no assertion criteria provided. Collection method: clinical testing. Allele origin: unknown. Not counted in ClinVar's aggregate classification.

Clinical Genetics, Academic Medical Center
Classification: Likely benign. Review status: no assertion criteria provided. Collection method: clinical testing. Allele origin: germline. Affected: yes. Study: VKGL Data-share Consensus. Not counted in ClinVar's aggregate classification.

Department of Pathology and Laboratory Medicine, Sinai Health System
Classification: Uncertain significance. Review status: no assertion criteria provided. Collection method: clinical testing. Allele origin: unknown. Affected: yes. Observed: 1 variant allele. Study: The Canadian Open Genetics Repository (COGR). Not counted in ClinVar's aggregate classification.
Comment: The POLE c.6004+11A>G variant was not identified in the literature. The variant was identified in dbSNP (ID: rs201591857) as "With Likely benign allele", ClinVar (classified as likely benign by Counsyl and GeneDx), Clinvitae, and LOVD 3.0 (1x probably does not affect function). The variant was identified in control databases in 178 of 267654 chromosomes at a frequency of 0.001 increasing the likelihood this could be a low frequency benign variant (Genome Aggregation Database Feb 27, 2017). It was observed in the following populations: African in 2 of 23996 chromosomes (freq: 0.0001), Other in 8 of 6250 chromosomes (freq: 0.001), Latino in 2 of 34004 chromosomes (freq: 0.0001), European in 162 of 121032 chromosomes (freq: 0.001), Finnish in 4 of 25162 chromosomes (freq: 0.0002); it was not observed in the Ashkenazi Jewish, East Asian, or South Asian populations. The variant occurs outside of the splicing consensus sequence and in silico or computational prediction software programs (SpliceSiteFinder, MaxEntScan, NNSPLICE, GeneSplicer, HumanSpliceFinder) do not predict a greater than 10% difference in splicing. In summary, based on the above information this variant is classified as likely benign.

Genome Diagnostics Laboratory, Amsterdam University Medical Center
Classification: Likely benign. Review status: no assertion criteria provided. Collection method: clinical testing. Allele origin: germline. Affected: yes. Study: VKGL Data-share Consensus. Not counted in ClinVar's aggregate classification.

Genome Diagnostics Laboratory, University Medical Center Utrecht
Classification: Likely benign. Review status: no assertion criteria provided. Collection method: clinical testing. Allele origin: germline. Affected: yes. Study: VKGL Data-share Consensus. Not counted in ClinVar's aggregate classification.

NM_006231.4(POLE):c.6004+11A>G

Gene: POLE (DNA polymerase epsilon, catalytic subunit; minus strand). Cytogenetic location: 12q24.33.
Variant type: single nucleotide variant.
Coding change: c.6004+11A>G on transcript NM_006231.4 (MANE Select); 11 bases into the intron after coding-DNA position 6004, A replaced by G.
Molecular consequence: intron variant.
Genome position (GRCh38, 1-based): chr12:132,634,175, T>C on the plus strand (A>G on the coding strand, the complement: POLE is on the minus strand). VCF-style: chr12-132634175-T-C. GRCh37 (hg19) VCF-style: chr12-133210761-T-C.
Identifiers: ClinVar variation 371944 (VCV000371944.30), dbSNP rs201591857, ClinGen allele CA6892327.